The following is an entry in ClinVar:

ClinVar aggregate classification (germline): Uncertain significance (1 of 4 stars; one submission).

gnomAD v4.1: 3 of 1,614,204 alleles (0.00019%); highest among the groups gnomAD compares: Non-Finnish European, 0.00025%; no homozygotes.

Submission:

CeGaT Center for Human Genetics Tuebingen
Classification: Uncertain significance. Last evaluated: 2026-08-01. Review status: criteria provided, single submitter. Criteria: CeGaT Center For Human Genetics Tuebingen Variant Classification Criteria Version 2. Collection method: clinical testing. Allele origin: germline. Affected: yes. Observed: 1 variant allele.
Comment: SMPD1: PM2, PM3

NM_000543.5(SMPD1):c.1355T>C (p.Leu452Pro)

Gene: SMPD1 (sphingomyelin phosphodiesterase 1; plus strand). Cytogenetic location: 11p15.4.
Variant type: single nucleotide variant.
Coding change: c.1355T>C on transcript NM_000543.5 (MANE Select); coding-DNA position 1355, T replaced by C.
Protein change: p.Leu452Pro; replaces leucine 452 with proline.
Molecular consequence: missense variant. On other transcripts: non-coding transcript variant (2).
Genome position (GRCh38, 1-based): chr11:6,393,910, T>C. VCF-style: chr11-6393910-T-C. GRCh37 (hg19) VCF-style: chr11-6415140-T-C.
Other names: c.1352T>C, p.Leu451Pro (NM_001007593.3); c.1355T>C, p.Leu452Pro (NM_001318087.2); c.434T>C, p.Leu145Pro (NM_001318088.2); c.1223T>C, p.Leu408Pro (NM_001365135.2); short protein forms L145P, L408P, L451P, L452P.
Identifiers: ClinVar variation 5039390 (VCV005039390.1).